The following is an entry in ClinVar:

NM_006389.5(HYOU1):c.1276C>G (p.Leu426Val)

Genes: HYOU1 (hypoxia up-regulated 1; minus strand), LOC130006884 (ATAC-STARR-seq lymphoblastoid active region 5617; plus strand). Cytogenetic location: 11q23.3.
Variant type: single nucleotide variant.
Coding change: c.1276C>G on transcript NM_006389.5 (MANE Select); coding-DNA position 1276, C replaced by G.
Protein change: p.Leu426Val; replaces leucine 426 with valine.
Molecular consequence: missense variant.
Genome position (GRCh38, 1-based): chr11:119,051,881, G>C on the plus strand (C>G on the coding strand, the complement: HYOU1 is on the minus strand). VCF-style: chr11-119051881-G-C. GRCh37 (hg19) VCF-style: chr11-118922593-G-C.
Other names: c.1276C>G, p.Leu426Val (NM_001130991.3); short protein forms L426V.
Identifiers: ClinVar variation 1523557 (VCV001523557.6), dbSNP rs138811699, ClinGen allele CA382939738.

ClinVar aggregate classification (germline): Uncertain significance (1 of 4 stars; one submission).

Submission:

Labcorp Genetics (formerly Invitae), Labcorp
Classification: Uncertain significance. Last evaluated: 2021-02-13. Review status: criteria provided, single submitter. Criteria: Invitae Variant Classification Sherloc (09022015). Collection method: clinical testing. Allele origin: germline.
Comment: In summary, the available evidence is currently insufficient to determine the role of this variant in disease. Therefore, it has been classified as a Variant of Uncertain Significance. Algorithms developed to predict the effect of missense changes on protein structure and function are either unavailable or do not agree on the potential impact of this missense change (SIFT: "Not Available"; PolyPhen-2: "Probably Damaging"; Align-GVGD: "Not Available"). This variant has not been reported in the literature in individuals with HYOU1-related conditions. This variant is not present in population databases (ExAC no frequency). This sequence change replaces leucine with valine at codon 426 of the HYOU1 protein (p.Leu426Val). The leucine residue is highly conserved and there is a small physicochemical difference between leucine and valine.